The following is an entry in ClinVar:

NM_173630.4(RTTN):c.4856G>A (p.Ser1619Asn)

Gene: RTTN (rotatin; minus strand). Cytogenetic location: 18q22.2.
Variant type: single nucleotide variant.
Coding change: c.4856G>A on transcript NM_173630.4 (MANE Select); coding-DNA position 4856, G replaced by A.
Protein change: p.Ser1619Asn; replaces serine 1619 with asparagine.
Molecular consequence: missense variant.
Genome position (GRCh38, 1-based): chr18:70,059,934, C>T on the plus strand (G>A on the coding strand, the complement: RTTN is on the minus strand). VCF-style: chr18-70059934-C-T. GRCh37 (hg19) VCF-style: chr18-67727170-C-T.
Other names: c.2120G>A, p.Ser707Asn (NM_001318520.2); short protein forms S1619N, S707N.
Identifiers: ClinVar variation 808407 (VCV000808407.47), dbSNP rs1599327363, ClinGen allele CA402694654.
Genomic context (GRCh38, chr18:70,059,934, plus strand): 5'-GCTTGTCGAAAAGCCTTTGCAGTGTCTCTGGGAGCAATCGTCAAGAGGTTGTCCAAGAGG[C>T]TGCACATTGCTGAAAGAAGAGATGGAGTAACAAAAACACACAGTTTGGGCAGGGGAGCAG-3'
Protein context (NP_775901.3, residues 1609-1629): VTPSLLSAMC[Ser1619Asn]LLDNLLTIAP

ClinVar aggregate classification (germline): Uncertain significance. Review status: criteria provided, multiple submitters, no conflicts (2 of 4 stars). 2 submissions from 2 submitters: Uncertain significance (2). Last evaluated 2021-10-11.

Submissions (2):

Labcorp Genetics (formerly Invitae), Labcorp
Classification: Uncertain significance. Last evaluated: 2021-10-11. Review status: criteria provided, single submitter. Criteria: Invitae Variant Classification Sherloc (09022015). Collection method: clinical testing. Allele origin: germline.
Comment: This sequence change replaces serine with asparagine at codon 1619 of the RTTN protein (p.Ser1619Asn). The serine residue is highly conserved and there is a small physicochemical difference between serine and asparagine. This variant is not present in population databases (ExAC no frequency). This variant has not been reported in the literature in individuals affected with RTTN-related conditions. ClinVar contains an entry for this variant (Variation ID: 808407). Algorithms developed to predict the effect of missense changes on protein structure and function are either unavailable or do not agree on the potential impact of this missense change (SIFT: "Deleterious"; PolyPhen-2: "Benign"; Align-GVGD: "Class C0"). In summary, the available evidence is currently insufficient to determine the role of this variant in disease. Therefore, it has been classified as a Variant of Uncertain Significance.

CeGaT Center for Human Genetics Tuebingen
Classification: Uncertain significance. Last evaluated: 2019-05-01. Review status: criteria provided, single submitter. Criteria: CeGaT Center For Human Genetics Tuebingen Variant Classification Criteria Version 2. Collection method: clinical testing. Allele origin: germline. Affected: yes. Observed: 1 variant allele.